The following is an entry in ClinVar:

NM_000642.3(AGL):c.2949+2T>C

Gene: AGL (amylo-alpha-1,6-glucosidase and 4-alpha-glucanotransferase; plus strand). Cytogenetic location: 1p21.2.
Variant type: single nucleotide variant.
Coding change: c.2949+2T>C on transcript NM_000642.3 (MANE Select); the canonical splice donor site of the intron after coding-DNA position 2949, T replaced by C.
Molecular consequence: splice donor variant.
Genome position (GRCh38, 1-based): chr1:99,891,358, T>C. VCF-style: chr1-99891358-T-C. GRCh37 (hg19) VCF-style: chr1-100356914-T-C.
Other names: c.2949+2T>C (NM_000643.3, NM_000644.3, NM_001425325.1 and 1 more transcripts); c.2901+2T>C (NM_000646.3); c.2928+2T>C (NM_001425326.1); c.2748+2T>C (NM_001425327.1); c.2745+2T>C (NM_001425328.1); c.2610+2T>C (NM_001425329.1); c.2571+2T>C (NM_001425332.1).
Identifiers: ClinVar variation 552111 (VCV000552111.3), dbSNP rs750492389, ClinGen allele CA966936.

ClinVar aggregate classification (germline): Likely pathogenic. Review status: criteria provided, single submitter (1 of 4 stars). 2 submissions from 2 submitters: Likely pathogenic (1). 1 of the submissions does not count toward it. Last evaluated 2025-02-28.

Conditions:
Glycogen storage disease type III (GSD3). Also called: FORBES DISEASE; Cori disease. Identifiers: Orphanet 366, MedGen C0017922, MONDO:0009291, OMIM 232400.

Allele frequency attached by ClinVar (database versions not stated): ExAC 0.00001.
gnomAD v4.1: 2 of 1,613,508 alleles (0.00012%); highest among the groups gnomAD compares: Admixed American, 0.0033%; no homozygotes.

Submissions (2):

Natera, Inc.
Classification: Likely pathogenic for Glycogen storage disease type III. Last evaluated: 2025-02-28. Review status: criteria provided, single submitter. Criteria: Natera Variant Classification Schema (03/2026). Collection method: clinical testing. Allele origin: germline.
Comment: The c.2949+2T>C variant in AGL is a canonical splice donor site variant predicted to affect pre-mRNA splicing, which may result in an abnormal transcript and altered protein product. This variant is expected to result in nonsense mediated decay, truncation, or a dysfunctional protein product. This variant is rare in the general population with a frequency below the threshold expected for the associated phenotype(s). Given the available evidence, this variant is classified as Likely Pathogenic.

Counsyl
Classification: Likely pathogenic for Glycogen storage disease type III. Last evaluated: 2017-05-23. Review status: no assertion criteria provided. Collection method: clinical testing. Allele origin: unknown. Not counted in ClinVar's aggregate classification.